The following is an entry in ClinVar:

ClinVar aggregate classification (germline): Likely benign (1 of 4 stars; one submission).

gnomAD v4.1: 2 of 1,613,744 alleles (0.00012%); highest among the groups gnomAD compares: Admixed American, 0.0033%; no homozygotes.

Submission:

Molecular Diagnostic Laboratory for Inherited Cardiovascular Disease, Montreal Heart Institute
Classification: Likely benign. Last evaluated: 2025-04-09. Review status: criteria provided, single submitter. Criteria: ACMG Guidelines, 2015. Collection method: clinical testing. Allele origin: germline. Affected: no.
Comment: BP1

NM_001267550.2(TTN):c.81779G>C (p.Ser27260Thr)

Genes: TTN (titin; minus strand), TTN-AS1 (TTN antisense RNA 1; plus strand). Cytogenetic location: 2q31.2.
Variant type: single nucleotide variant.
Coding change: c.81779G>C on transcript NM_001267550.2 (MANE Select); coding-DNA position 81779, G replaced by C.
Protein change: p.Ser27260Thr; replaces serine 27260 with threonine.
Molecular consequence: missense variant.
Genome position (GRCh38, 1-based): chr2:178,564,353, C>G on the plus strand (G>C on the coding strand, the complement: TTN is on the minus strand). VCF-style: chr2-178564353-C-G. GRCh37 (hg19) VCF-style: chr2-179429080-C-G.
Other names: c.76856G>C, p.Ser25619Thr (NM_001256850.1); c.54584G>C, p.Ser18195Thr (NM_003319.4); c.74075G>C, p.Ser24692Thr (NM_133378.4); c.54959G>C, p.Ser18320Thr (NM_133432.3); c.55160G>C, p.Ser18387Thr (NM_133437.4); short protein forms S18195T, S18320T, S18387T, S24692T, S25619T, S27260T.
Identifiers: ClinVar variation 3895276 (VCV003895276.1), dbSNP rs752173731.